The following is an entry in ClinVar:

NM_005726.6(TSFM):c.602G>A (p.Arg201Gln)

Gene: TSFM (Ts translation elongation factor, mitochondrial; plus strand). Cytogenetic location: 12q14.1.
Variant type: single nucleotide variant.
Coding change: c.602G>A on transcript NM_005726.6 (MANE Select); coding-DNA position 602, G replaced by A.
Protein change: p.Arg201Gln; replaces arginine 201 with glutamine.
Molecular consequence: missense variant. On other transcripts: 3 prime UTR variant (1), intron variant (1).
Genome position (GRCh38, 1-based): chr12:57,796,207, G>A. VCF-style: chr12-57796207-G-A. GRCh37 (hg19) VCF-style: chr12-58189990-G-A.
Other names: c.*10G>A (NM_001172695.2); c.665G>A, p.Arg222Gln (NM_001172696.2); c.571+3134G>A (NM_001172697.2); short protein forms R222Q, R201Q.
Identifiers: ClinVar variation 1464256 (VCV001464256.5), dbSNP rs371690440, ClinGen allele CA6659418.

ClinVar aggregate classification (germline): Uncertain significance (1 of 4 stars; one submission).

Allele frequency attached by ClinVar (database versions not stated): ExAC 0.00001; gnomAD exomes 0.00001; TOPMed 0.00003; gnomAD 0.00006; ESP Exome Variant Server 0.00008.

Submission:

Labcorp Genetics (formerly Invitae), Labcorp
Classification: Uncertain significance. Last evaluated: 2022-07-30. Review status: criteria provided, single submitter. Criteria: Invitae Variant Classification Sherloc (09022015). Collection method: clinical testing. Allele origin: germline.
Comment: This sequence change replaces arginine, which is basic and polar, with glutamine, which is neutral and polar, at codon 222 of the TSFM protein (p.Arg222Gln). This variant is present in population databases (rs371690440, gnomAD 0.008%). This variant has not been reported in the literature in individuals affected with TSFM-related conditions. ClinVar contains an entry for this variant (Variation ID: 1464256). Algorithms developed to predict the effect of missense changes on protein structure and function are either unavailable or do not agree on the potential impact of this missense change (SIFT: "Deleterious"; PolyPhen-2: "Probably Damaging"; Align-GVGD: "Class C0"). In summary, the available evidence is currently insufficient to determine the role of this variant in disease. Therefore, it has been classified as a Variant of Uncertain Significance.